The following is an entry in ClinVar:

ClinVar aggregate classification (germline): Likely benign (1 of 4 stars; one submission).

gnomAD v4.1: 1 of 1,610,012 alleles (0.000062%); highest among the groups gnomAD compares: East Asian, 0.0022%; no homozygotes.

Submission:

CeGaT Center for Human Genetics Tuebingen
Classification: Likely benign. Last evaluated: 2026-07-01. Review status: criteria provided, single submitter. Criteria: CeGaT Center For Human Genetics Tuebingen Variant Classification Criteria Version 2. Collection method: clinical testing. Allele origin: germline. Affected: yes. Observed: 1 variant allele.
Comment: PLXNB2: BP4, BP7

NM_012401.4(PLXNB2):c.1179G>T (p.Thr393=)

Gene: PLXNB2 (plexin B2; minus strand). Cytogenetic location: 22q13.33.
Variant type: single nucleotide variant.
Coding change: c.1179G>T on transcript NM_012401.4 (MANE Select); coding-DNA position 1179, G replaced by T.
Protein change: p.Thr393=; no amino-acid change (threonine 393 retained).
Molecular consequence: synonymous variant.
Genome position (GRCh38, 1-based): chr22:50,289,032, C>A on the plus strand (G>T on the coding strand, the complement: PLXNB2 is on the minus strand). VCF-style: chr22-50289032-C-A. GRCh37 (hg19) VCF-style: chr22-50727461-C-A.
Other names: c.1179G>T, p.Thr393= (NM_001376864.1, NM_001376865.1, NM_001376866.1 and 20 more transcripts).
Identifiers: ClinVar variation 5038965 (VCV005038965.1).
Genomic context (GRCh38, chr22:50,289,032, plus strand): 5'-GCCATCAGAGGTGCCCAGAAAAGCAACAGTGTGGTTGTTCTCGGCGGCGACCGTCACGGC[C>A]GTGAGGTTCAGGCCTCCACGCTGCAGCACGGCTGTGCCTCTGAGCCCGTCGCGGCTGCCC-3'
Protein context (NP_036533.2, residues 383-403): AVLQRGGLNL[Thr393=]AVTVAAENNH